The following is an entry in ClinVar:

NM_000207.3(INS):c.287G>A (p.Cys96Tyr)

Genes: INS (insulin; minus strand), INS-IGF2 (INS-IGF2 readthrough; minus strand). Cytogenetic location: 11p15.5.
Variant type: single nucleotide variant.
Coding change: c.287G>A on transcript NM_000207.3 (MANE Select); coding-DNA position 287, G replaced by A.
Protein change: p.Cys96Tyr; replaces cysteine 96 with tyrosine.
Molecular consequence: missense variant. On other transcripts: intron variant (1).
Genome position (GRCh38, 1-based): chr11:2,159,898, C>T on the plus strand (G>A on the coding strand, the complement: INS is on the minus strand). VCF-style: chr11-2159898-C-T. GRCh37 (hg19) VCF-style: chr11-2181128-C-T.
Other names: c.187+887G>A (NM_001042376.3); c.287G>A, p.Cys96Tyr (NM_001185097.2, NM_001185098.2, NM_001291897.2); short protein forms C96Y.
Identifiers: ClinVar variation 13387 (VCV000013387.7), dbSNP rs80356671, ClinGen allele CA341283.

ClinVar aggregate classification (germline): Conflicting classifications of pathogenicity. Review status: criteria provided, conflicting classifications (1 of 4 stars). 6 submissions from 6 submitters: Pathogenic (1); Likely pathogenic (1); Uncertain significance (1). 3 of the submissions do not count toward it. Last evaluated 2014-06-18.

Conditions:
Diabetes mellitus, permanent neonatal 4. Also called: INS-Related Permanent Neonatal Diabetes Mellitus. Identifiers: MedGen C5394307, MONDO:0030089, OMIM 618858.
Neonatal diabetes mellitus (NDM). Identifiers: Orphanet 224, MedGen C0158981, MONDO:0016391.
Permanent neonatal diabetes mellitus (PNDM). Identifiers: Orphanet 99885, MedGen C1833104, MONDO:0100164, MONDO:0011643. Disease mechanism: gain of function.

Submissions (6):

Athena Diagnostics
Classification: Pathogenic. Last evaluated: 2014-06-18. Review status: criteria provided, single submitter. Criteria: Athena Diagnostics Criteria. Collection method: clinical testing. Allele origin: germline.

Clinical Genomics, Uppaluri K&H Personalized Medicine Clinic
Classification: Uncertain significance for Diabetes mellitus, permanent neonatal 4. Review status: criteria provided, single submitter. Criteria: K & H Uppaluri Personalized Medicine Clinic Variant Classification & Assertion Criteria_Updated V.1. Collection method: research. Allele origin: unknown.
Comment: Potent mutations in INS gene can cause early onset diabetes mellitus which is insulin dependent. It may have poor response to sulfonylureas, as mutations in this gene can cause beta cell destruction. rs80356671 variant is Prevalent in patients with Permanent neonatal diabetes mellitus.However, the role of this particular variant is yet to be ascertained

Molecular Genetics, Madras Diabetes Research Foundation
Classification: Likely pathogenic for Neonatal diabetes mellitus. Review status: criteria provided, single submitter. Criteria: ACMG Guidelines, 2015. Collection method: clinical testing. Allele origin: germline. Affected: yes.

OMIM
Classification: Pathogenic for DIABETES MELLITUS, PERMANENT NEONATAL, 4. Last evaluated: 2008-04-01. Review status: no assertion criteria provided. Collection method: literature only. Allele origin: germline. Not counted in ClinVar's aggregate classification.

GeneReviews
No classification provided. Condition: Permanent neonatal diabetes mellitus. Review status: no classification provided. Collection method: literature only. Allele origin: unknown. Not counted in ClinVar's aggregate classification.

UniProtKB/Swiss-Prot
No classification provided. Condition: Permanent neonatal diabetes mellitus. Review status: no classification provided. Collection method: not provided. Allele origin: not provided. Not counted in ClinVar's aggregate classification.

Literature cited by the submitters: PubMed 17855560 (cited by Athena Diagnostics and OMIM); PubMed 18162506 (cited by Athena Diagnostics and OMIM); PubMed 19952343 (cited by Athena Diagnostics); PubMed 20034470 (cited by Athena Diagnostics); PubMed 20948967 (cited by Athena Diagnostics); PubMed 21723250 (cited by Athena Diagnostics); PubMed 18171712 (cited by 3 submitters); PubMed 18981553 (cited by Athena Diagnostics and Clinical Genomics, Uppaluri K&H Personalized Medicine Clinic); PubMed 23416061 (cited by Athena Diagnostics); PubMed 20659334 (cited by Athena Diagnostics); PubMed 23444373 (cited by Athena Diagnostics); PubMed 20308425 (cited by Athena Diagnostics); PubMed 19801494 (cited by Athena Diagnostics); PubMed 34593315 (cited by Molecular Genetics, Madras Diabetes Research Foundation); PubMed 17047922 (cited by GeneReviews); PubMed 20301620 (cited by GeneReviews); NCBI Bookshelf NBK1447 (cited by GeneReviews).